The following is an entry in ClinVar:

NM_014714.4(IFT140):c.1753A>C (p.Ser585Arg)

Gene: IFT140 (intraflagellar transport 140; minus strand). Cytogenetic location: 16p13.3.
Variant type: single nucleotide variant.
Coding change: c.1753A>C on transcript NM_014714.4 (MANE Select); coding-DNA position 1753, A replaced by C.
Protein change: p.Ser585Arg; replaces serine 585 with arginine.
Molecular consequence: missense variant.
Genome position (GRCh38, 1-based): chr16:1,568,234, T>G on the plus strand (A>C on the coding strand, the complement: IFT140 is on the minus strand). VCF-style: chr16-1568234-T-G. GRCh37 (hg19) VCF-style: chr16-1618235-T-G.
Other names: short protein forms S585R.
Identifiers: ClinVar variation 2074966 (VCV002074966.4), dbSNP rs2033828605, ClinGen allele CA394207086.
Genomic context (GRCh38, chr16:1,568,234, plus strand): 5'-GGTGAGGAGGCGGAGTGGGCGAGTGGACGAGGGGTGGCCTCACCTTGCTGGGGAGGATGC[T>G]GATGGTGCTCCCGCTGCTGCTGCACCGCAGAGAAGCGATGCCCCCCACCCCAGGGACCAG-3'
Protein context (NP_055529.2, residues 575-595): LRCSSSGSTI[Ser585Arg]ILPSKADNSP

ClinVar aggregate classification (germline): Uncertain significance (1 of 4 stars; one submission).

Conditions:
Saldino-Mainzer syndrome (SRTD9). Also called: CONORENAL SYNDROME; Renal dysplasia, retinal pigmentary dystrophy, cerebellar ataxia and skeletal dysplasia; SHORT-RIB THORACIC DYSPLASIA 9 WITHOUT POLYDACTYLY; short-rib thoracic dysplasia 9 with or without polydactyly. Identifiers: Orphanet 140969, MedGen C1849437, MONDO:0009964, OMIM 266920.

Submission:

Labcorp Genetics (formerly Invitae), Labcorp
Classification: Uncertain significance for Saldino-Mainzer syndrome. Last evaluated: 2023-05-11. Review status: criteria provided, single submitter. Criteria: Invitae Variant Classification Sherloc (09022015). Collection method: clinical testing. Allele origin: germline.
Comment: In summary, the available evidence is currently insufficient to determine the role of this variant in disease. Therefore, it has been classified as a Variant of Uncertain Significance. Advanced modeling of protein sequence and biophysical properties (such as structural, functional, and spatial information, amino acid conservation, physicochemical variation, residue mobility, and thermodynamic stability) has been performed at Invitae for this missense variant, however the output from this modeling did not meet the statistical confidence thresholds required to predict the impact of this variant on IFT140 protein function. ClinVar contains an entry for this variant (Variation ID: 2074966). This variant has not been reported in the literature in individuals affected with IFT140-related conditions. This variant is not present in population databases (gnomAD no frequency). This sequence change replaces serine, which is neutral and polar, with arginine, which is basic and polar, at codon 585 of the IFT140 protein (p.Ser585Arg).